The following is an entry in ClinVar:

NM_000540.3(RYR1):c.12571C>A (p.Arg4191Ser)

Gene: RYR1 (ryanodine receptor 1; plus strand). Cytogenetic location: 19q13.2.
Variant type: single nucleotide variant.
Coding change: c.12571C>A on transcript NM_000540.3 (MANE Select); coding-DNA position 12571, C replaced by A.
Protein change: p.Arg4191Ser; replaces arginine 4191 with serine.
Molecular consequence: missense variant.
Genome position (GRCh38, 1-based): chr19:38,561,401, C>A. VCF-style: chr19-38561401-C-A. GRCh37 (hg19) VCF-style: chr19-39052041-C-A.
Other names: c.12556C>A, p.Arg4186Ser (NM_001042723.2); short protein forms R4186S, R4191S.
Identifiers: ClinVar variation 2766865 (VCV002766865.4), dbSNP rs2514654342, ClinGen allele CA405669724.

ClinVar aggregate classification (germline): Uncertain significance. Review status: criteria provided, multiple submitters, no conflicts (2 of 4 stars). 2 submissions from 2 submitters: Uncertain significance (2). Last evaluated 2025-08-22.

Conditions:
Inborn genetic diseases. Identifiers: MedGen C0950123, MeSH D030342.
RYR1-related disorder. Also called: RYR1-related condition; RYR1-related disorders. Identifiers: MedGen CN239331.

Submissions (2):

Ambry Genetics
Classification: Uncertain significance for Inborn genetic diseases. Last evaluated: 2025-08-22. Review status: criteria provided, single submitter. Criteria: Ambry Variant Classification Scheme 2023. Collection method: clinical testing. Allele origin: germline.

Labcorp Genetics (formerly Invitae), Labcorp
Classification: Uncertain significance for RYR1-related disorder. Last evaluated: 2023-05-23. Review status: criteria provided, single submitter. Criteria: Invitae Variant Classification Sherloc (09022015). Collection method: clinical testing. Allele origin: germline.
Comment: This sequence change replaces arginine, which is basic and polar, with serine, which is neutral and polar, at codon 4191 of the RYR1 protein (p.Arg4191Ser). This variant is not present in population databases (gnomAD no frequency). This variant has not been reported in the literature in individuals affected with RYR1-related conditions. Advanced modeling of protein sequence and biophysical properties (such as structural, functional, and spatial information, amino acid conservation, physicochemical variation, residue mobility, and thermodynamic stability) performed at Invitae indicates that this missense variant is expected to disrupt RYR1 protein function. In summary, the available evidence is currently insufficient to determine the role of this variant in disease. Therefore, it has been classified as a Variant of Uncertain Significance.